The following is an entry in ClinVar:

NM_001142864.4(PIEZO1):c.5991C>T (p.Asp1997=)

Gene: PIEZO1 (piezo type mechanosensitive ion channel component 1 (Er blood group); minus strand). Cytogenetic location: 16q24.3.
Variant type: single nucleotide variant.
Coding change: c.5991C>T on transcript NM_001142864.4 (MANE Select); coding-DNA position 5991, C replaced by T.
Protein change: p.Asp1997=; no amino-acid change (aspartic acid 1997 retained).
Molecular consequence: synonymous variant.
Genome position (GRCh38, 1-based): chr16:88,720,242, G>A on the plus strand (C>T on the coding strand, the complement: PIEZO1 is on the minus strand). VCF-style: chr16-88720242-G-A. GRCh37 (hg19) VCF-style: chr16-88786650-G-A.
Other names: p.Asp1997=; c.4533C>T, p.Asp1511= (NM_014745.1).
Identifiers: ClinVar variation 2723837 (VCV002723837.5), dbSNP rs558743263, ClinGen allele CA8231722.

ClinVar aggregate classification (germline): Benign/Likely benign. Review status: criteria provided, multiple submitters, no conflicts (2 of 4 stars). 3 submissions from 3 submitters: Benign (1); Likely benign (2). Last evaluated 2025-03-25.

Allele frequency attached by ClinVar (database versions not stated): ExAC 0.00005; gnomAD 0.00008; TOPMed 0.00008; 1000 Genomes Project 30x 0.00016; 1000 Genomes Project 0.00020.
gnomAD v4.1: 166 of 1,550,520 alleles (0.011%); highest among the groups gnomAD compares: Non-Finnish European, 0.013%; no homozygotes.

Submissions (3):

Mayo Clinic Laboratories, Mayo Clinic
Classification: Likely benign. Last evaluated: 2025-03-25. Review status: criteria provided, single submitter. Criteria: ACMG Guidelines, 2015. Collection method: clinical testing. Allele origin: germline. Observed: 1 variant allele.
Comment: BP4, BP7

Labcorp Genetics (formerly Invitae), Labcorp
Classification: Benign. Last evaluated: 2025-02-19. Review status: criteria provided, single submitter. Criteria: Invitae Variant Classification Sherloc (09022015). Collection method: clinical testing. Allele origin: germline.

ARUP Laboratories, Molecular Genetics and Genomics, ARUP Laboratories
Classification: Likely benign. Last evaluated: 2023-01-03. Review status: criteria provided, single submitter. Criteria: ARUP Molecular Germline Variant Investigation Process 2024. Collection method: clinical testing. Allele origin: germline.